The following is an entry in ClinVar:

NM_000267.3(NF1):c.8051delG

Gene: NF1 (neurofibromin 1; plus strand). Cytogenetic location: 17q11.2.
Variant type: Deletion.
Coding change: c.8051delG on transcript NM_000267.3; coding-DNA position 8051, one base deleted (G).
Genome position (GRCh38, 1-based): chr17:31,358,969, G deleted; the last of 2 consecutive G bases (chr17:31,358,968-31,358,969); deleting either gives the same sequence. VCF-style (leftmost placement, unchanged base first): chr17-31358967-AG-A. GRCh37 (hg19) VCF-style: chr17-29685985-AG-A.
Identifiers: ClinVar variation 4615767 (VCV004615767.1).
Genomic context (GRCh38, chr17:31,358,967, plus strand): 5'-AATTTCTGTTACAATTAAAAGATACCTTGCTTGTTATAAGAGTAAAATTTGATTTGTTGC[AG>A]GTTTTGGTTTTAATGGCTTGTGGCGGTTTGCAGGACCGTTTTCAAAGGTAAGAAAATATA-3'

ClinVar aggregate classification (germline): Pathogenic (1 of 4 stars; one submission).

Conditions:
Cardiovascular phenotype. Identifiers: MedGen CN230736.
Hereditary cancer-predisposing syndrome. Also called: Hereditary Cancer Syndrome; Neoplastic Syndromes, Hereditary; Tumor predisposition; Hereditary neoplastic syndrome. Identifiers: Orphanet 140162, MedGen C0027672, MeSH D009386, MONDO:0015356.

Submission:

Ambry Genetics
Classification: Pathogenic for Cardiovascular phenotype; Hereditary cancer-predisposing syndrome. Last evaluated: 2025-10-17. Review status: criteria provided, single submitter. Criteria: Ambry Variant Classification Scheme 2023. Collection method: clinical testing. Allele origin: germline.
Comment: The c.8051delG pathogenic mutation, located in coding exon 55 of the NF1 gene, results from a deletion of one nucleotide at nucleotide position 8051, causing a translational frameshift with a predicted alternate stop codon (p.S2684Ifs*34). This variant is considered to be rare based on population cohorts in the Genome Aggregation Database (gnomAD). This alteration is expected to result in loss of function by premature protein truncation or nonsense-mediated mRNA decay. As such, this alteration is interpreted as a disease-causing mutation.